The following is an entry in ClinVar:

ClinVar aggregate classification (germline): Uncertain significance. Review status: criteria provided, multiple submitters, no conflicts (2 of 4 stars). 2 submissions from 2 submitters: Uncertain significance (2). Last evaluated 2024-03-08.

Conditions:
Inborn genetic diseases. Identifiers: MedGen C0950123, MeSH D030342.
Bethlem myopathy 1A. Also called: Bethlem Muscular Dystrophy; MYOPATHY, BENIGN CONGENITAL, WITH CONTRACTURES; Bethlem myopathy 1. Identifiers: Orphanet 610, MedGen CN029274, MONDO:0024530, OMIM 158810.

Allele frequency attached by ClinVar (database versions not stated): gnomAD exomes 0.00001; ExAC 0.00002.
gnomAD v4.1: 11 of 1,613,198 alleles (0.00068%); highest among the groups gnomAD compares: Non-Finnish European, 0.00093%; no homozygotes.

Submissions (2):

Ambry Genetics
Classification: Uncertain significance for Inborn genetic diseases. Last evaluated: 2024-03-08. Review status: criteria provided, single submitter. Criteria: Ambry Variant Classification Scheme 2023. Collection method: clinical testing. Allele origin: germline.

Labcorp Genetics (formerly Invitae), Labcorp
Classification: Uncertain significance for Bethlem myopathy 1A. Last evaluated: 2022-02-18. Review status: criteria provided, single submitter. Criteria: Invitae Variant Classification Sherloc (09022015). Collection method: clinical testing. Allele origin: germline.
Comment: In summary, the available evidence is currently insufficient to determine the role of this variant in disease. Therefore, it has been classified as a Variant of Uncertain Significance. Advanced modeling of protein sequence and biophysical properties (such as structural, functional, and spatial information, amino acid conservation, physicochemical variation, residue mobility, and thermodynamic stability) performed at Invitae indicates that this missense variant is not expected to disrupt COL6A2 protein function. This variant has not been reported in the literature in individuals affected with COL6A2-related conditions. This variant is present in population databases (rs775644917, gnomAD 0.002%). This sequence change replaces asparagine, which is neutral and polar, with lysine, which is basic and polar, at codon 693 of the COL6A2 protein (p.Asn693Lys).

NM_001849.4(COL6A2):c.2079C>A (p.Asn693Lys)

Gene: COL6A2 (collagen type VI alpha 2 chain; plus strand). Cytogenetic location: 21q22.3.
Variant type: single nucleotide variant.
Coding change: c.2079C>A on transcript NM_001849.4 (MANE Select); coding-DNA position 2079, C replaced by A.
Protein change: p.Asn693Lys; replaces asparagine 693 with lysine.
Molecular consequence: missense variant.
Genome position (GRCh38, 1-based): chr21:46,125,894, C>A. VCF-style: chr21-46125894-C-A. GRCh37 (hg19) VCF-style: chr21-47545808-C-A.
Other names: c.2079C>A, p.Asn693Lys (NM_058174.3, NM_058175.3); short protein forms N693K.
Identifiers: ClinVar variation 2202354 (VCV002202354.5), dbSNP rs775644917, ClinGen allele CA10072436.